The following is an entry in ClinVar:

NM_000748.3(CHRNB2):c.1103G>T (p.Arg368Leu)

Gene: CHRNB2 (cholinergic receptor nicotinic beta 2 subunit; plus strand). Cytogenetic location: 1q21.3.
Variant type: single nucleotide variant.
Coding change: c.1103G>T on transcript NM_000748.3 (MANE Select); coding-DNA position 1103, G replaced by T.
Protein change: p.Arg368Leu; replaces arginine 368 with leucine.
Molecular consequence: missense variant.
Genome position (GRCh38, 1-based): chr1:154,571,926, G>T. VCF-style: chr1-154571926-G-T. GRCh37 (hg19) VCF-style: chr1-154544402-G-T.
Other names: short protein forms R368L.
Identifiers: ClinVar variation 641814 (VCV000641814.13), dbSNP rs202114705, ClinGen allele CA30834941.
Genomic context (GRCh38, chr1:154,571,926, plus strand): 5'-TCATGCAGCAGCCACGCCATCATTGCGCCCGTCAGCGCCTGCGCCTGCGGCGACGCCAGC[G>T]TGAGCGCGAGGGCGCTGGAGCCCTCTTCTTCCGCGAAGCCCCAGGGGCCGACTCCTGCAC-3'
Protein context (NP_000739.1, residues 358-378): RQRLRLRRRQ[Arg368Leu]EREGAGALFF

ClinVar aggregate classification (germline): Uncertain significance. Review status: criteria provided, multiple submitters, no conflicts (2 of 4 stars). 3 submissions from 3 submitters: Uncertain significance (3). Last evaluated 2025-03-03.

Conditions:
Familial sleep-related hypermotor epilepsy. Also called: Autosomal Dominant Sleep-Related Hypermotor (Hyperkinetic) Epilepsy. Identifiers: Orphanet 98784, MedGen C3696898, MONDO:0000030.
Inborn genetic diseases. Identifiers: MedGen C0950123, MeSH D030342.
Autosomal dominant nocturnal frontal lobe epilepsy 3. Also called: CHRNB2-Related Nocturnal Frontal Lobe Epilepsy, Autosomal Dominant. Identifiers: Orphanet 98784, MedGen C1854335, MONDO:0011545, OMIM 605375.

Allele frequency attached by ClinVar (database versions not stated): TOPMed 0.00002; gnomAD exomes 0.00001; gnomAD 0.00006.
gnomAD v4.1: 55 of 1,559,622 alleles (0.0035%); highest among the groups gnomAD compares: Non-Finnish European, 0.0041%; no homozygotes.

Submissions (3):

Labcorp Genetics (formerly Invitae), Labcorp
Classification: Uncertain significance. Last evaluated: 2025-03-03. Review status: criteria provided, single submitter. Criteria: Invitae Variant Classification Sherloc (09022015). Collection method: clinical testing. Allele origin: germline.
Comment: This sequence change replaces arginine, which is basic and polar, with leucine, which is neutral and non-polar, at codon 368 of the CHRNB2 protein (p.Arg368Leu). This variant is present in population databases (rs202114705, gnomAD 0.008%). This variant has not been reported in the literature in individuals affected with CHRNB2-related conditions. ClinVar contains an entry for this variant (Variation ID: 641814). Invitae Evidence Modeling of protein sequence and biophysical properties (such as structural, functional, and spatial information, amino acid conservation, physicochemical variation, residue mobility, and thermodynamic stability) indicates that this missense variant is not expected to disrupt CHRNB2 protein function with a negative predictive value of 80%. In summary, the available evidence is currently insufficient to determine the role of this variant in disease. Therefore, it has been classified as a Variant of Uncertain Significance.

Revvity Omics, Revvity
Classification: Uncertain significance for Autosomal dominant nocturnal frontal lobe epilepsy 3. Last evaluated: 2022-09-15. Review status: criteria provided, single submitter. Criteria: ACMG Guidelines, 2015. Collection method: clinical testing. Allele origin: germline.

Ambry Genetics
Classification: Uncertain significance for Inborn genetic diseases. Last evaluated: 2019-11-22. Review status: criteria provided, single submitter. Criteria: Ambry Variant Classification Scheme 2023. Collection method: clinical testing. Allele origin: germline.
Comment: The p.R368L variant (also known as c.1103G>T), located in coding exon 5 of the CHRNB2 gene, results from a G to T substitution at nucleotide position 1103. The arginine at codon 368 is replaced by leucine, an amino acid with dissimilar properties. This amino acid position is not well conserved in available vertebrate species. In addition, this alteration is predicted to be tolerated by in silico analysis. Since supporting evidence is limited at this time, the clinical significance of this alteration remains unclear.